The following is an entry in ClinVar:

NM_004595.5(SMS):c.24G>A (p.Thr8=)

Genes: SMS (spermine synthase; plus strand), LOC130068040 (ATAC-STARR-seq lymphoblastoid silent region 20700; plus strand). Cytogenetic location: Xp22.11.
Variant type: single nucleotide variant.
Coding change: c.24G>A on transcript NM_004595.5 (MANE Select); coding-DNA position 24, G replaced by A.
Protein change: p.Thr8=; no amino-acid change (threonine 8 retained).
Molecular consequence: synonymous variant.
Genome position (GRCh38, 1-based): chrX:21,940,848, G>A. VCF-style: chrX-21940848-G-A. GRCh37 (hg19) VCF-style: chrX-21958966-G-A.
Other names: c.24G>A, p.Thr8= (NM_001258423.2); c.24G>A (NM_004595.4).
Identifiers: ClinVar variation 4949276 (VCV004949276.2).

ClinVar aggregate classification (germline): Likely benign. Review status: criteria provided, multiple submitters, no conflicts (2 of 4 stars). 2 submissions from 2 submitters: Likely benign (2). Last evaluated 2025-01-27.

Conditions:
SMS-related disorder. Also called: SMS-related condition.

gnomAD v4.1: 114 of 1,114,219 alleles (0.01%); highest among the groups gnomAD compares: Non-Finnish European, 0.012%; no homozygotes.

Submissions (2):

PreventionGenetics, part of Exact Sciences
Classification: Likely benign for SMS-related condition. Last evaluated: 2025-01-27. Review status: criteria provided, single submitter. Criteria: ACMG Guidelines, 2015. Collection method: clinical testing. Allele origin: germline.
Comment: This variant is classified as likely benign based on ACMG/AMP sequence variant interpretation guidelines (Richards et al. 2015 PMID: 25741868, with internal and published modifications).

Blueprint Genetics
Classification: Likely benign. Last evaluated: 2024-09-24. Review status: criteria provided, single submitter. Criteria: ACMG Guidelines, 2015. Collection method: clinical testing. Allele origin: germline.